The following is an entry in ClinVar:

ClinVar aggregate classification (germline): Uncertain significance (1 of 4 stars; one submission).

Allele frequency attached by ClinVar (database versions not stated): TOPMed below 0.00001.
gnomAD v4.1: 26 of 1,614,036 alleles (0.0016%); highest among the groups gnomAD compares: South Asian, 0.024%; no homozygotes.

Submission:

Labcorp Genetics (formerly Invitae), Labcorp
Classification: Uncertain significance. Last evaluated: 2024-10-15. Review status: criteria provided, single submitter. Criteria: Invitae Variant Classification Sherloc (09022015). Collection method: clinical testing. Allele origin: germline.
Comment: This sequence change replaces threonine, which is neutral and polar, with serine, which is neutral and polar, at codon 611 of the RFWD3 protein (p.Thr611Ser). This variant is present in population databases (rs763875920, gnomAD 0.02%). This variant has not been reported in the literature in individuals affected with RFWD3-related conditions. An algorithm developed to predict the effect of missense changes on protein structure and function outputs the following: PolyPhen-2: "Benign". The serine amino acid residue is found in multiple mammalian species, which suggests that this missense change does not adversely affect protein function. In summary, the available evidence is currently insufficient to determine the role of this variant in disease. Therefore, it has been classified as a Variant of Uncertain Significance.

NM_018124.4(RFWD3):c.1832C>G (p.Thr611Ser)

Gene: RFWD3 (ring finger and WD repeat domain 3; minus strand). Cytogenetic location: 16q23.1.
Variant type: single nucleotide variant.
Coding change: c.1832C>G on transcript NM_018124.4 (MANE Select); coding-DNA position 1832, C replaced by G.
Protein change: p.Thr611Ser; replaces threonine 611 with serine.
Molecular consequence: missense variant.
Genome position (GRCh38, 1-based): chr16:74,628,589, G>C on the plus strand (C>G on the coding strand, the complement: RFWD3 is on the minus strand). VCF-style: chr16-74628589-G-C. GRCh37 (hg19) VCF-style: chr16-74662487-G-C.
Other names: c.1832C>G, p.Thr611Ser (NM_001370535.1, NM_001370534.1); c.1655C>G, p.Thr552Ser (NM_001370536.1); c.998C>G, p.Thr333Ser (NM_001370537.1, NM_001370539.1, NM_001370540.1 and 3 more transcripts); short protein forms T611S, T333S, T552S.
Identifiers: ClinVar variation 2875300 (VCV002875300.3), dbSNP rs763875920, ClinGen allele CA8169055.
Genomic context (GRCh38, chr16:74,628,589, plus strand): 5'-AGCACATGAGGCCAATGAGAAAAGTCCATTTTCTGTTCCCAGAATGAAGCATCCTCCAAG[G>C]TTCCAGCCAGCACCCCACCATATGGAAATGCAGCTGAGGCAGCTCTGGGCATGTATGACA-3'
Protein context (NP_060594.3, residues 601-621): AFPYGGVLAG[Thr611Ser]LEDASFWEQK